The following is an entry in ClinVar:

ClinVar aggregate classification (germline): Likely benign. Review status: criteria provided, multiple submitters, no conflicts (2 of 4 stars). 2 submissions from 2 submitters: Likely benign (2). Last evaluated 2026-09-06.

Conditions:
B4GALT7-related disorder. Also called: B4GALT7-related condition.
Spondylodysplastic Ehlers-Danlos syndrome. Identifiers: Orphanet 536471, Orphanet 75496, MedGen C5680154, MONDO:0007526.

Allele frequency attached by ClinVar (database versions not stated): gnomAD exomes 0.00002 and 0.00009; ExAC 0.00007; TOPMed 0.00014; gnomAD 0.00022 and 0.00024; 1000 Genomes Project 0.00100; 1000 Genomes Project 30x 0.00109.
gnomAD v4.1: 67 of 1,612,068 alleles (0.0042%); highest among the groups gnomAD compares: Admixed American, 0.11%; 1 homozygote.

Submissions (2):

PreventionGenetics, part of Exact Sciences
Classification: Likely benign for B4GALT7-related condition. Last evaluated: 2026-09-06. Review status: criteria provided, single submitter. Criteria: ACMG Guidelines, 2015. Collection method: clinical testing. Allele origin: germline.
Comment: This variant is classified as likely benign based on ACMG/AMP sequence variant interpretation guidelines (Richards et al. 2015 PMID: 25741868, with internal and published modifications).

Labcorp Genetics (formerly Invitae), Labcorp
Classification: Likely benign for Spondylodysplastic Ehlers-Danlos syndrome. Last evaluated: 2025-12-22. Review status: criteria provided, single submitter. Criteria: Invitae Variant Classification Sherloc (09022015). Collection method: clinical testing. Allele origin: germline.

NM_007255.3(B4GALT7):c.222C>G (p.Ala74=)

Gene: B4GALT7 (beta-1,4-galactosyltransferase 7; plus strand). Cytogenetic location: 5q35.3.
Variant type: single nucleotide variant.
Coding change: c.222C>G on transcript NM_007255.3 (MANE Select); coding-DNA position 222, C replaced by G.
Protein change: p.Ala74=; no amino-acid change (alanine 74 retained).
Molecular consequence: synonymous variant.
Genome position (GRCh38, 1-based): chr5:177,604,350, C>G. VCF-style: chr5-177604350-C-G. GRCh37 (hg19) VCF-style: chr5-177031351-C-G.
Other names: c.222C>G (NM_007255.2).
Identifiers: ClinVar variation 1572092 (VCV001572092.9), dbSNP rs200218920, ClinGen allele CA3586410.
Genomic context (GRCh38, chr5:177,604,350, plus strand): 5'-TGGGGACGTGGCCCGGGCAGTCAGGGGACAAGGGCAGGAGACCTCGGGCCCTCCCCGTGC[C>G]TGCCCCCCAGAGCCGCCCCCTGAGCACTGGGAAGAAGACGCATCCTGGGGCCCCCACCGC-3'
Protein context (NP_009186.1, residues 64-84): QGQETSGPPR[Ala74=]CPPEPPPEHW